The following is an entry in ClinVar:

NM_000497.4(CYP11B1):c.1062T>A (p.His354Gln)

Genes: CYP11B1 (cytochrome P450 family 11 subfamily B member 1; minus strand), LOC106799833 (CYP11B1 recombination region; plus strand). Cytogenetic location: 8q24.3.
Variant type: single nucleotide variant.
Coding change: c.1062T>A on transcript NM_000497.4 (MANE Select); coding-DNA position 1062, T replaced by A.
Protein change: p.His354Gln; replaces histidine 354 with glutamine.
Molecular consequence: missense variant.
Genome position (GRCh38, 1-based): chr8:142,875,771, A>T on the plus strand (T>A on the coding strand, the complement: CYP11B1 is on the minus strand). VCF-style: chr8-142875771-A-T. GRCh37 (hg19) VCF-style: chr8-143957187-A-T.
Other names: c.1062T>A, p.His354Gln (NM_001026213.1); short protein forms H354Q.
Identifiers: ClinVar variation 3499028 (VCV003499028.2).

ClinVar aggregate classification (germline): Uncertain significance. Review status: criteria provided, multiple submitters, no conflicts (2 of 4 stars). 2 submissions from 2 submitters: Uncertain significance (2). Last evaluated 2025-09-02.

Conditions:
Inborn genetic diseases. Identifiers: MedGen C0950123, MeSH D030342.

Submissions (2):

Labcorp Genetics (formerly Invitae), Labcorp
Classification: Uncertain significance. Last evaluated: 2025-09-02. Review status: criteria provided, single submitter. Criteria: Invitae Variant Classification Sherloc (09022015). Collection method: clinical testing. Allele origin: germline.
Comment: This sequence change replaces histidine, which is basic and polar, with glutamine, which is neutral and polar, at codon 354 of the CYP11B1 protein (p.His354Gln). This variant is not present in population databases (gnomAD no frequency). This variant has not been reported in the literature in individuals affected with CYP11B1-related conditions. ClinVar contains an entry for this variant (Variation ID: 3499028). Invitae Evidence Modeling of protein sequence and biophysical properties (such as structural, functional, and spatial information, amino acid conservation, physicochemical variation, residue mobility, and thermodynamic stability) indicates that this missense variant is not expected to disrupt CYP11B1 protein function with a negative predictive value of 95%. In summary, the available evidence is currently insufficient to determine the role of this variant in disease. Therefore, it has been classified as a Variant of Uncertain Significance.

Ambry Genetics
Classification: Uncertain significance for Inborn genetic diseases. Last evaluated: 2024-11-12. Review status: criteria provided, single submitter. Criteria: Ambry Variant Classification Scheme 2023. Collection method: clinical testing. Allele origin: germline.